The following is an entry in ClinVar:

NM_001042492.3(NF1):c.6841G>A (p.Gly2281Arg)

Gene: NF1 (neurofibromin 1; plus strand). Cytogenetic location: 17q11.2.
Variant type: single nucleotide variant.
Coding change: c.6841G>A on transcript NM_001042492.3 (MANE Select); coding-DNA position 6841, G replaced by A.
Protein change: p.Gly2281Arg; replaces glycine 2281 with arginine.
Molecular consequence: missense variant.
Genome position (GRCh38, 1-based): chr17:31,338,725, G>A. VCF-style: chr17-31338725-G-A. GRCh37 (hg19) VCF-style: chr17-29665743-G-A.
Other names: c.6778G>A, p.Gly2260Arg (NM_000267.4); short protein forms G2260R, G2281R.
Identifiers: ClinVar variation 3015319 (VCV003015319.4), dbSNP rs2069743252, ClinGen allele CA399014286.
Genomic context (GRCh38, chr17:31,338,725, plus strand): 5'-TCAATGAAAGTAAAATAAAAAATTCTGTTTTCCTAAAAGGCACTTGAGAGTTGCTTAAAA[G>A]GACCTGACACTTACAACAGTCAAGTTCTGATAGAAGCTACAGTAATAGCACTAACCAAAT-3'
Protein context (NP_001035957.1, residues 2271-2291): LSKALESCLK[Gly2281Arg]PDTYNSQVLI

ClinVar aggregate classification (germline): Uncertain significance. Review status: criteria provided, multiple submitters, no conflicts (2 of 4 stars). 2 submissions from 2 submitters: Uncertain significance (2). Last evaluated 2025-04-27.

Conditions:
Hereditary cancer-predisposing syndrome. Also called: Hereditary neoplastic syndrome; Hereditary Cancer Syndrome; Neoplastic Syndromes, Hereditary; Tumor predisposition. Identifiers: Orphanet 140162, MedGen C0027672, MeSH D009386, MONDO:0015356.
Cardiovascular phenotype. Identifiers: MedGen CN230736.
Neurofibromatosis, type 1 (NF1). Also called: Peripheral type neurofibromatosis; VON RECKLINGHAUSEN DISEASE; Neurofibromatosis, type I; NEUROFIBROMATOSIS, TYPE I, SOMATIC. Identifiers: Orphanet 636, MedGen C0027831, MONDO:0018975, OMIM 162200. Disease mechanism: loss of function.

Submissions (2):

Labcorp Genetics (formerly Invitae), Labcorp
Classification: Uncertain significance for Neurofibromatosis, type 1. Last evaluated: 2025-04-27. Review status: criteria provided, single submitter. Criteria: Invitae Variant Classification Sherloc (09022015). Collection method: clinical testing. Allele origin: germline.
Comment: This sequence change replaces glycine, which is neutral and non-polar, with arginine, which is basic and polar, at codon 2260 of the NF1 protein (p.Gly2260Arg). This variant is not present in population databases (gnomAD no frequency). This variant has not been reported in the literature in individuals affected with NF1-related conditions. ClinVar contains an entry for this variant (Variation ID: 3015319). Invitae Evidence Modeling of protein sequence and biophysical properties (such as structural, functional, and spatial information, amino acid conservation, physicochemical variation, residue mobility, and thermodynamic stability) indicates that this missense variant is not expected to disrupt NF1 protein function with a negative predictive value of 95%. In summary, the available evidence is currently insufficient to determine the role of this variant in disease. Therefore, it has been classified as a Variant of Uncertain Significance.

Ambry Genetics
Classification: Uncertain significance for Cardiovascular phenotype; Hereditary cancer-predisposing syndrome. Last evaluated: 2025-02-05. Review status: criteria provided, single submitter. Criteria: Ambry Variant Classification Scheme 2023. Collection method: clinical testing. Allele origin: germline.
Comment: The p.G2260R variant (also known as c.6778G>A), located in coding exon 45 of the NF1 gene, results from a G to A substitution at nucleotide position 6778. The glycine at codon 2260 is replaced by arginine, an amino acid with dissimilar properties. This amino acid position is conserved. In addition, the in silico prediction for this alteration is inconclusive. Based on the available evidence, the clinical significance of this variant remains unclear.